The following is an entry in ClinVar:

NM_015028.4(TNIK):c.2729G>A (p.Gly910Glu)

Gene: TNIK (TRAF2 and NCK interacting kinase; minus strand). Cytogenetic location: 3q26.2.
Variant type: single nucleotide variant.
Coding change: c.2729G>A on transcript NM_015028.4 (MANE Select); coding-DNA position 2729, G replaced by A.
Protein change: p.Gly910Glu; replaces glycine 910 with glutamic acid.
Molecular consequence: missense variant.
Genome position (GRCh38, 1-based): chr3:171,087,499, C>T on the plus strand (G>A on the coding strand, the complement: TNIK is on the minus strand). VCF-style: chr3-171087499-C-T. GRCh37 (hg19) VCF-style: chr3-170805288-C-T.
Other names: c.2705G>A, p.Gly902Glu (NM_001161560.3); c.2642G>A, p.Gly881Glu (NM_001161561.3); c.2618G>A, p.Gly873Glu (NM_001161562.3); c.2564G>A, p.Gly855Glu (NM_001161563.3); c.2540G>A, p.Gly847Glu (NM_001161564.3); c.2477G>A, p.Gly826Glu (NM_001161565.3); c.2453G>A, p.Gly818Glu (NM_001161566.3); short protein forms G818E, G873E, G910E, G826E, G847E, G855E, G881E, G902E.
Identifiers: ClinVar variation 1031855 (VCV001031855.2), dbSNP rs35090763, ClinGen allele CA2703099.

ClinVar aggregate classification (germline): Uncertain significance. Review status: criteria provided, multiple submitters, no conflicts (2 of 4 stars). 2 submissions from 2 submitters: Uncertain significance (2). Last evaluated 2024-10-04.

Conditions:
Intellectual developmental disorder, autosomal recessive 54. Also called: Intellectual disability, autosomal recessive 54. Identifiers: Orphanet 88616, MedGen C4310755, MONDO:0014876, OMIM 617028.

Allele frequency attached by ClinVar (database versions not stated): gnomAD exomes 0.00007 and 0.00014; gnomAD 0.00004 and below 0.00001; ExAC 0.00015.
gnomAD v4.1: 108 of 1,613,614 alleles (0.0067%); highest among the groups gnomAD compares: South Asian, 0.11%; 1 homozygote.

Submissions (2):

Ambry Genetics
Classification: Uncertain significance. Last evaluated: 2024-10-04. Review status: criteria provided, single submitter. Criteria: Ambry Variant Classification Scheme 2023. Collection method: clinical testing. Allele origin: germline.

Baylor Genetics
Classification: Uncertain significance for Intellectual developmental disorder, autosomal recessive 54. Last evaluated: 2018-01-10. Review status: criteria provided, single submitter. Criteria: ACMG Guidelines, 2015. Collection method: clinical testing. Allele origin: unknown. Affected: yes.
Comment: This variant was determined to be of uncertain significance according to ACMG Guidelines, 2015 [PMID:25741868].